The following is an entry in ClinVar:

NM_001257291.2(SLC9A7):c.1214A>C (p.Glu405Ala)

Gene: SLC9A7 (solute carrier family 9 member A7; minus strand). Cytogenetic location: Xp11.3.
Variant type: single nucleotide variant.
Coding change: c.1214A>C on transcript NM_001257291.2 (MANE Select); coding-DNA position 1214, A replaced by C.
Protein change: p.Glu405Ala; replaces glutamic acid 405 with alanine.
Molecular consequence: missense variant.
Genome position (GRCh38, 1-based): chrX:46,651,338, T>G on the plus strand (A>C on the coding strand, the complement: SLC9A7 is on the minus strand). VCF-style: chrX-46651338-T-G. GRCh37 (hg19) VCF-style: chrX-46510773-T-G.
Other names: c.1211A>C, p.Glu404Ala (NM_032591.3); short protein forms E404A, E405A.
Identifiers: ClinVar variation 1309822 (VCV001309822.2), dbSNP rs2146778431, ClinGen allele CA413035703.
Genomic context (GRCh38, chrX:46,651,338, plus strand): 5'-TTAACAAGCAACTCGTGAGTACCAAGCCTCTCTCTCACCTGCTTGGTTCGACTTCTTGAT[T>G]CCACCGACAGATTGTTGTAGGTGTAATGAGCTTGTGTGATTCCACAGAAAAGGACAGCTA-3'
Protein context (NP_001244220.1, residues 395-415): AHYTYNNLSV[Glu405Ala]SRSRTKQLFE

ClinVar aggregate classification (germline): Uncertain significance (1 of 4 stars; one submission).

Submission:

GeneDx
Classification: Uncertain significance. Last evaluated: 2019-11-08. Review status: criteria provided, single submitter. Criteria: GeneDx Variant Classification Process June 2021. Collection method: clinical testing. Allele origin: germline. Affected: yes.
Comment: Not observed in large population cohorts (Lek et al., 2016); In silico analysis, which includes protein predictors and evolutionary conservation, supports a deleterious effect; Has not been previously published as pathogenic or benign to our knowledge